The following is an entry in ClinVar:

ClinVar aggregate classification (germline): Uncertain significance (1 of 4 stars; one submission).

Conditions:
Gastrointestinal stromal tumor. Also called: Gastrointestinal stromal tumor, somatic; Gastrointestinal stroma tumor. Identifiers: Orphanet 44890, MedGen C0238198, MeSH D046152, MONDO:0011719, OMIM 606764, HP:0100723.

Submission:

Labcorp Genetics (formerly Invitae), Labcorp
Classification: Uncertain significance for Gastrointestinal stromal tumor. Last evaluated: 2019-12-26. Review status: criteria provided, single submitter. Criteria: Invitae Variant Classification Sherloc (09022015). Collection method: clinical testing. Allele origin: germline.
Comment: This variant has not been reported in the literature in individuals with PDGFRA-related conditions. In summary, the available evidence is currently insufficient to determine the role of this variant in disease. Therefore, it has been classified as a Variant of Uncertain Significance. Nucleotide substitutions within the consensus splice site are a relatively common cause of aberrant splicing (PMID: 17576681, 9536098). Algorithms developed to predict the effect of sequence changes on RNA splicing suggest that this variant may disrupt the consensus splice site, but this prediction has not been confirmed by published transcriptional studies. This variant is not present in population databases (ExAC no frequency). This sequence change falls in intron 21 of the PDGFRA gene. It does not directly change the encoded amino acid sequence of the PDGFRA protein, but it affects a nucleotide within the consensus splice site of the intron.

Literature cited by the submitters: PubMed 17576681; PubMed 9536098.

NM_006206.6(PDGFRA):c.2880+5G>T

Gene: PDGFRA (platelet derived growth factor receptor alpha; plus strand). Cytogenetic location: 4q12.
Variant type: single nucleotide variant.
Coding change: c.2880+5G>T on transcript NM_006206.6 (MANE Select); 5 bases into the intron after coding-DNA position 2880, G replaced by T.
Molecular consequence: intron variant.
Genome position (GRCh38, 1-based): chr4:54,289,119, G>T. VCF-style: chr4-54289119-G-T. GRCh37 (hg19) VCF-style: chr4-55155286-G-T.
Other names: c.2955+5G>T (NM_001347828.2); c.2880+5G>T (NM_001347829.2); c.2919+5G>T (NM_001347830.2).
Identifiers: ClinVar variation 838735 (VCV000838735.15), dbSNP rs370128852, ClinGen allele CA916081450.